The following is an entry in ClinVar:

ClinVar aggregate classification (germline): Benign. Review status: criteria provided, multiple submitters, no conflicts (2 of 4 stars). 2 submissions from 2 submitters: Benign (2). Last evaluated 2018-11-12.

Allele frequency attached by ClinVar (database versions not stated): gnomAD exomes 0.21354; ExAC 0.22740; gnomAD 0.30954 and 0.31795; TOPMed 0.32911; ESP Exome Variant Server 0.33792; 1000 Genomes Project 0.34085; 1000 Genomes Project 30x 0.35244.
gnomAD v4.1: 311,844 of 1,477,956 alleles (21%); highest among the groups gnomAD compares: African/African-American, 64%; 41,959 homozygotes.

Submissions (2):

GeneDx
Classification: Benign. Last evaluated: 2018-11-12. Review status: criteria provided, single submitter. Criteria: GeneDx Variant Classification Process June 2021. Collection method: clinical testing. Allele origin: germline. Affected: yes.
Comment: This variant is associated with the following publications: (PMID: 14551916)

Breakthrough Genomics
Classification: Benign. Review status: criteria provided, single submitter. Criteria: ACMG Guidelines, 2015. Collection method: not provided. Allele origin: germline. Inheritance: Autosomal recessive inheritance. Affected: yes.

NM_000208.4(INSR):c.1483+43G>T

Gene: INSR (insulin receptor; minus strand). Cytogenetic location: 19p13.2.
Variant type: single nucleotide variant.
Coding change: c.1483+43G>T on transcript NM_000208.4 (MANE Select); 43 bases into the intron after coding-DNA position 1483, G replaced by T.
Molecular consequence: intron variant.
Genome position (GRCh38, 1-based): chr19:7,170,494, C>A on the plus strand (G>T on the coding strand, the complement: INSR is on the minus strand). VCF-style: chr19-7170494-C-A. GRCh37 (hg19) VCF-style: chr19-7170505-C-A.
Other names: c.1483+43G>T (NM_001079817.3).
Identifiers: ClinVar variation 1296548 (VCV001296548.3), dbSNP rs7252268, ClinGen allele CA9135825.